The following is an entry in ClinVar:

NM_020774.4(MIB1):c.1271A>C (p.Glu424Ala)

Gene: MIB1 (MIB E3 ubiquitin protein ligase 1; plus strand). Cytogenetic location: 18q11.2.
Variant type: single nucleotide variant.
Coding change: c.1271A>C on transcript NM_020774.4 (MANE Select); coding-DNA position 1271, A replaced by C.
Protein change: p.Glu424Ala; replaces glutamic acid 424 with alanine.
Molecular consequence: missense variant.
Genome position (GRCh38, 1-based): chr18:21,799,874, A>C. VCF-style: chr18-21799874-A-C. GRCh37 (hg19) VCF-style: chr18-19379835-A-C.
Other names: short protein forms E424A.
Identifiers: ClinVar variation 3395760 (VCV003395760.1).

ClinVar aggregate classification (germline): Uncertain significance (1 of 4 stars; one submission).

Conditions:
Inborn genetic diseases. Identifiers: MedGen C0950123, MeSH D030342.

Submission:

Ambry Genetics
Classification: Uncertain significance for Inborn genetic diseases. Last evaluated: 2024-07-06. Review status: criteria provided, single submitter. Criteria: Ambry Variant Classification Scheme 2023. Collection method: clinical testing. Allele origin: germline.
Comment: The p.E424A variant (also known as c.1271A>C), located in coding exon 9 of the MIB1 gene, results from an A to C substitution at nucleotide position 1271. The glutamic acid at codon 424 is replaced by alanine, an amino acid with dissimilar properties. This amino acid position is conserved. In addition, the in silico prediction for this alteration is inconclusive. Based on the available evidence, the clinical significance of this variant remains unclear.